The following is an entry in ClinVar:

ClinVar aggregate classification (germline): Uncertain significance (1 of 4 stars; one submission).

Conditions:
Intellectual developmental disorder, autosomal recessive 65. Also called: Intellectual disability, autosomal recessive 65; MENTAL RETARDATION, AUTOSOMAL RECESSIVE 65. Identifiers: MedGen C4748219, MONDO:0020850, OMIM 618109.

Submission:

Victorian Clinical Genetics Services, Murdoch Childrens Research Institute
Classification: Uncertain significance for Intellectual developmental disorder, autosomal recessive 65. Last evaluated: 2022-02-02. Review status: criteria provided, single submitter. Criteria: ACMG Guidelines, 2015. Collection method: clinical testing. Allele origin: germline. Inheritance: Autosomal dominant inheritance. Affected: yes.
Comment: Based on the classification scheme VCGS_Germline_v1.3.4, this variant is classified as VUS-3B. Following criteria are met: 0102 - Loss of function is a known mechanism of disease in this gene and is associated with autosomal recessive intellectual disability 65 (MIM#618109) and autosomal dominant KDM5B-related neurodevelopmental disorder (MONDO#0700092). (I) 0108 - This gene is associated with both recessive and dominant disease. Biallelic pathogenic variants are associated with a more severe, syndromic intellectual disability (PMID: 29276005; DECIPHER). Individuals with heterozygous variants have also been reported, with developmental delay, intellectual disability and/or autistic features (PMIDs: 29276005, 30217758, 30409806). (I) 0112 - The condition associated with this gene has incomplete penetrance. While the recessive condition is fully penetrant, incomplete penetrance has been suggested for the autosomal dominant condition, where unaffected carriers of loss of function variants have been reported (PMIDs: 30217758, 30409806). (I) 0205 - Variant is predicted to result in a truncated protein (premature termination codon is NOT located at least 54 nucleotides upstream of the final exon-exon junction) with less than 1/3 of the protein sequence affected. (SP) 0251 - This variant is heterozygous. (I) 0301 - Variant is absent from gnomAD (both v2 and v3). (SP) 0710 - Another variant predicted to result in a premature termination codon comparable to the one identified in this case has inconclusive previous evidence for pathogenicity. The p.(Arg1543*) variant which is predicted to result in the loss of the last two amino acids of the wild-type protien has been reported to be de novo in an individual with autism spectrum disorder (PMID: 25363768). (I) 0807 - This variant has no previous evidence of pathogenicity. (I) 0905 - No published segregation evidence has been identified for this variant. (I) 1007 - No published functional evidence has been identified for this variant. (I) 1208 - Inheritance information for this variant is not currently available in this individual. (I) Legend: (SP) - Supporting pathogenic, (I) - Information, (SB) - Supporting benign

Literature cited by the submitters: PubMed 25363768; PubMed 29276005; PubMed 30217758; PubMed 30409806.

NM_006618.5(KDM5B):c.4605T>A (p.Cys1535Ter)

Gene: KDM5B (lysine demethylase 5B; minus strand). Cytogenetic location: 1q32.1.
Variant type: single nucleotide variant.
Coding change: c.4605T>A on transcript NM_006618.5 (MANE Select); coding-DNA position 4605, T replaced by A.
Protein change: p.Cys1535Ter; replaces cysteine 1535 with a stop codon.
Molecular consequence: nonsense.
Genome position (GRCh38, 1-based): chr1:202,729,066, A>T on the plus strand (T>A on the coding strand, the complement: KDM5B is on the minus strand). VCF-style: chr1-202729066-A-T. GRCh37 (hg19) VCF-style: chr1-202698194-A-T.
Other names: c.4713T>A, p.Cys1571Ter (NM_001314042.2); c.4470T>A, p.Cys1490Ter (NM_001347591.2); c.4590T>A, p.Cys1530Ter (NM_001399817.1); short protein forms C1490*, C1530*, C1535*, C1571*.
Identifiers: ClinVar variation 3376673 (VCV003376673.1).